The following is an entry in ClinVar:

NM_015506.3(MMACHC):c.181C>T (p.Arg61Trp)

Gene: MMACHC (metabolism of cobalamin associated C; plus strand). Cytogenetic location: 1p34.1.
Variant type: single nucleotide variant.
Coding change: c.181C>T on transcript NM_015506.3 (MANE Select); coding-DNA position 181, C replaced by T.
Protein change: p.Arg61Trp; replaces arginine 61 with tryptophan.
Molecular consequence: missense variant.
Genome position (GRCh38, 1-based): chr1:45,507,455, C>T. VCF-style: chr1-45507455-C-T. GRCh37 (hg19) VCF-style: chr1-45973127-C-T.
Other names: p.R61W:CGG>TGG; p.Arg61Trp; c.10C>T, p.Arg4Trp (NM_001330540.2); short protein forms R61W, R4W.
Identifiers: ClinVar variation 203824 (VCV000203824.61), dbSNP rs200483477, ClinGen allele CA312726.

ClinVar aggregate classification (germline): Conflicting classifications of pathogenicity. Review status: criteria provided, conflicting classifications (1 of 4 stars). 16 submissions from 16 submitters: Uncertain significance (13); Likely benign (2). 1 of the submissions does not count toward it. Last evaluated 2026-06-26.

Conditions:
Methylmalonic aciduria, type cblc.
MMACHC-related disorder. Also called: MMACHC-related condition.
Inborn genetic diseases. Identifiers: MedGen C0950123, MeSH D030342.
Disorders of Intracellular Cobalamin Metabolism. Identifiers: MedGen CN043592.
Cobalamin C disease. Also called: Methylmalonic aciduria and homocystinuria, Vitamin B12-responsive; Vitamin B12 metabolic defect with combined deficiency of methylmalonyl-CoA mutase and homocysteine:methyltetrahydrofolate methyltransferase; Cobalamin-C methylmalonic acidemia and homocystinuria; Methylmalonic acidemia and homocystinuria cblC type; methylmalonic aciduria and homocystinuria type cblC; Methylmalonic aciduria with homocystinuria cblC type. Identifiers: Orphanet 26, Orphanet 79282, MedGen C1848561, MONDO:0010184, OMIM 277400.

Allele frequency attached by ClinVar (database versions not stated): 1000 Genomes Project 0.00020; 1000 Genomes Project 30x 0.00031; gnomAD exomes 0.00059; TOPMed 0.00063; ExAC 0.00068; gnomAD 0.00072; ESP Exome Variant Server 0.00079.
gnomAD v4.1: 1,555 of 1,614,134 alleles (0.096%); highest among the groups gnomAD compares: Non-Finnish European, 0.12%; 2 homozygotes.

Submissions (16):

PreventionGenetics, part of Exact Sciences
Classification: Likely benign for MMACHC-related condition. Last evaluated: 2026-06-26. Review status: criteria provided, single submitter. Criteria: ACMG Guidelines, 2015. Collection method: clinical testing. Allele origin: germline.
Comment: This variant is classified as likely benign based on ACMG/AMP sequence variant interpretation guidelines (Richards et al. 2015 PMID: 25741868, with internal and published modifications).

GeneDx
Classification: Uncertain significance. Last evaluated: 2025-11-04. Review status: criteria provided, single submitter. Criteria: GeneDx Variant Classification Process June 2021. Collection method: clinical testing. Allele origin: germline. Affected: yes.
Comment: Reported as homozygous in a patient with cblC deficiency who was also homozygous for p.(R111*) (PMID: 16311595); Observed with p.(R111*) in a patient referred for testing at an outside laboratory; the phase of these variants was not reported, and biochemical follow-up testing was not consistent with cblC deficiency (PMID: 32439973); In silico analysis supports that this missense variant has a deleterious effect on protein structure/function; This variant is associated with the following publications: (PMID: 28337550, 19370762, 32439973, 16311595)

Mayo Clinic Laboratories, Mayo Clinic
Classification: Uncertain significance. Last evaluated: 2025-10-23. Review status: criteria provided, single submitter. Criteria: ACMG Guidelines, 2015. Collection method: clinical testing. Allele origin: germline. Observed: 10 variant alleles.

Greenwood Genetic Center Diagnostic Laboratories, Greenwood Genetic Center
Classification: Uncertain significance. Last evaluated: 2025-10-01. Review status: criteria provided, single submitter. Criteria: ACMG Guidelines, 2015. Collection method: clinical testing. Allele origin: germline. Affected: yes.
Comment: PM3_Supporting, BS2

Blueprint Genetics
Classification: Uncertain significance. Last evaluated: 2024-11-25. Review status: criteria provided, single submitter. Criteria: ACMG Guidelines, 2015. Collection method: clinical testing. Allele origin: germline.

Fulgent Genetics
Classification: Likely benign for Cobalamin C disease. Last evaluated: 2024-04-05. Review status: criteria provided, single submitter. Criteria: ACMG Guidelines, 2015. Collection method: clinical testing. Allele origin: germline.

Baylor Genetics
Classification: Uncertain significance for Methylmalonic aciduria, type cblc. Last evaluated: 2023-11-01. Review status: criteria provided, single submitter. Criteria: ACMG Guidelines, 2015. Collection method: clinical testing. Allele origin: unknown.

Department of Pathology and Laboratory Medicine, Sinai Health System
Classification: Uncertain significance for Cobalamin C disease. Last evaluated: 2023-01-14. Review status: criteria provided, single submitter. Criteria: ACMG Guidelines, 2015. Collection method: research. Allele origin: germline.

Labcorp Genetics (formerly Invitae), Labcorp
Classification: Uncertain significance for Cobalamin C disease. Last evaluated: 2022-09-19. Review status: criteria provided, single submitter. Criteria: Invitae Variant Classification Sherloc (09022015). Collection method: clinical testing. Allele origin: germline.
Comment: This sequence change replaces arginine, which is basic and polar, with tryptophan, which is neutral and slightly polar, at codon 61 of the MMACHC protein (p.Arg61Trp). This variant is present in population databases (rs200483477, gnomAD 0.1%), and has an allele count higher than expected for a pathogenic variant. This missense change has been observed in individual(s) with cobalamin C deficiency (PMID: 16311595, 19370762). ClinVar contains an entry for this variant (Variation ID: 203824). Advanced modeling of protein sequence and biophysical properties (such as structural, functional, and spatial information, amino acid conservation, physicochemical variation, residue mobility, and thermodynamic stability) has been performed at Invitae for this missense variant, however the output from this modeling did not meet the statistical confidence thresholds required to predict the impact of this variant on MMACHC protein function. In summary, the available evidence is currently insufficient to determine the role of this variant in disease. Therefore, it has been classified as a Variant of Uncertain Significance.

Ambry Genetics
Classification: Uncertain significance for Inborn genetic diseases. Last evaluated: 2022-04-14. Review status: criteria provided, single submitter. Criteria: Ambry Variant Classification Scheme 2023. Collection method: clinical testing. Allele origin: germline.

CeGaT Center for Human Genetics Tuebingen
Classification: Uncertain significance. Last evaluated: 2021-11-01. Review status: criteria provided, single submitter. Criteria: CeGaT Center For Human Genetics Tuebingen Variant Classification Criteria Version 2. Collection method: clinical testing. Allele origin: germline. Affected: yes. Observed: 1 variant allele.

MGZ Medical Genetics Center
Classification: Uncertain significance for Cobalamin C disease. Last evaluated: 2021-08-20. Review status: criteria provided, single submitter. Criteria: ACMG Guidelines, 2015. Collection method: clinical testing. Allele origin: germline. Affected: yes. Observed: 1 variant allele.
Comment: ACMG criteria applied: PM2_SUP, PP3

Genome-Nilou Lab
Classification: Uncertain significance for Cobalamin C disease. Last evaluated: 2021-07-14. Review status: criteria provided, single submitter. Criteria: ACMG Guidelines, 2015. Collection method: clinical testing. Allele origin: germline. Affected: no.

Elsea Laboratory, Baylor College of Medicine
Classification: Uncertain significance for Cobalamin C disease. Last evaluated: 2020-04-01. Review status: criteria provided, single submitter. Criteria: ACMG Guidelines, 2015. Collection method: clinical testing. Allele origin: paternal. Affected: no.

Illumina Laboratory Services, Illumina
Classification: Uncertain significance for Disorders of Intracellular Cobalamin Metabolism. Last evaluated: 2017-05-22. Review status: criteria provided, single submitter. Criteria: ICSL Variant Classification Criteria 13 December 2019. Collection method: clinical testing. Allele origin: germline.
Comment: This variant was observed as part of a predisposition screen in an ostensibly healthy population. A literature search was performed for the gene, cDNA change, and amino acid change (where applicable). Publications were found based on this search. However, the evidence from the literature, in combination with allele frequency data from public databases where available, was not sufficient to rule this variant in or out of causing disease. Therefore, this variant is classified as a variant of unknown significance.

Natera, Inc.
Classification: Uncertain significance for Methylmalonic aciduria with homocystinuria cblC type. Last evaluated: 2019-08-02. Review status: no assertion criteria provided. Collection method: clinical testing. Allele origin: germline. Not counted in ClinVar's aggregate classification.

Literature cited by the submitters: PubMed 16311595 (cited by 3 submitters); PubMed 19370762 (cited by 4 submitters); PubMed 28337550 (cited by Mayo Clinic Laboratories, Mayo Clinic and Ambry Genetics); PubMed 28693988 (cited by Mayo Clinic Laboratories, Mayo Clinic); PubMed 32439973 (cited by Mayo Clinic Laboratories, Mayo Clinic and Ambry Genetics).